The following is an entry in ClinVar:

ClinVar aggregate classification (germline): Benign (1 of 4 stars; one submission).

Conditions:
Congenital nephrotic syndrome. Also called: Familial nephrotic syndrome. Identifiers: MedGen C3501848, MeSH C535761, MONDO:0002350, HP:0008677.

Allele frequency attached by ClinVar (database versions not stated): gnomAD 0.03266 and 0.03501; TOPMed 0.03804; 1000 Genomes Project 0.03974; 1000 Genomes Project 30x 0.04216.
gnomAD v4.1: 4,927 of 152,144 alleles (3.2%); highest among the groups gnomAD compares: African/African-American, 11%; 235 homozygotes.

Submission:

Illumina Laboratory Services, Illumina
Classification: Benign for Congenital nephrotic syndrome. Last evaluated: 2018-01-12. Review status: criteria provided, single submitter. Criteria: ICSL Variant Classification Criteria 13 December 2019. Collection method: clinical testing. Allele origin: germline.
Comment: This variant was observed in the ICSL laboratory as part of a predisposition screen in an ostensibly healthy population. It had not been previously curated by ICSL or reported in the Human Gene Mutation Database (HGMD: prior to June 1st, 2018), and was therefore a candidate for classification through an automated scoring system. Utilizing variant allele frequency, disease prevalence and penetrance estimates, and inheritance mode, an automated score was calculated to assess if this variant is too frequent to cause the disease. Based on the score and internal cut-off values, a variant classified as benign is not then subjected to further curation. The score for this variant resulted in a classification of benign for this disease.

NM_004646.4(NPHS1):c.*1119A>C

Gene: NPHS1 (NPHS1 adhesion molecule, nephrin; minus strand). Cytogenetic location: 19q13.12.
Variant type: single nucleotide variant.
Coding change: c.*1119A>C on transcript NM_004646.4 (MANE Select); 1119 bases downstream of the stop codon, A replaced by C.
Molecular consequence: 3 prime UTR variant.
Genome position (GRCh38, 1-based): chr19:35,825,395, T>G on the plus strand (A>C on the coding strand, the complement: NPHS1 is on the minus strand). VCF-style: chr19-35825395-T-G. GRCh37 (hg19) VCF-style: chr19-36316297-T-G.
Identifiers: ClinVar variation 328840 (VCV000328840.5), dbSNP rs74509387, ClinGen allele CA10652367.